The following is an entry in ClinVar:

ClinVar aggregate classification (germline): Uncertain significance (1 of 4 stars; one submission).

Conditions:
Cardiovascular phenotype. Identifiers: MedGen CN230736.

Allele frequency attached by ClinVar (database versions not stated): gnomAD exomes below 0.00001.
gnomAD v4.1: 2 of 1,614,016 alleles (0.00012%); highest among the groups gnomAD compares: Admixed American, 0.0033%; no homozygotes.

Submission:

Ambry Genetics
Classification: Uncertain significance for Cardiovascular phenotype. Last evaluated: 2022-10-02. Review status: criteria provided, single submitter. Criteria: Ambry Variant Classification Scheme 2023. Collection method: clinical testing. Allele origin: germline.
Comment: The p.T358P variant (also known as c.1072A>C), located in coding exon 9 of the LIPA gene, results from an A to C substitution at nucleotide position 1072. The threonine at codon 358 is replaced by proline, an amino acid with highly similar properties. This amino acid position is conserved. In addition, this alteration is predicted to be tolerated by in silico analysis. Since supporting evidence is limited at this time, the clinical significance of this alteration remains unclear.

NM_000235.4(LIPA):c.1072A>C (p.Thr358Pro)

Gene: LIPA (lipase A, lysosomal acid type; minus strand). Cytogenetic location: 10q23.31.
Variant type: single nucleotide variant.
Coding change: c.1072A>C on transcript NM_000235.4 (MANE Select); coding-DNA position 1072, A replaced by C.
Protein change: p.Thr358Pro; replaces threonine 358 with proline.
Molecular consequence: missense variant.
Genome position (GRCh38, 1-based): chr10:89,214,956, T>G on the plus strand (A>C on the coding strand, the complement: LIPA is on the minus strand). VCF-style: chr10-89214956-T-G. GRCh37 (hg19) VCF-style: chr10-90974713-T-G.
Other names: c.1072A>C, p.Thr358Pro (NM_001127605.3); c.724A>C, p.Thr242Pro (NM_001288979.2); short protein forms T242P, T358P.
Identifiers: ClinVar variation 1783811 (VCV001783811.2), dbSNP rs1431914852, ClinGen allele CA377516209.